The following is an entry in ClinVar:

NM_033056.4(PCDH15):c.5839C>T (p.Gln1947Ter)

Gene: PCDH15 (protocadherin related 15; minus strand). Cytogenetic location: 10q21.1.
Variant type: single nucleotide variant.
Coding change: c.5839C>T on transcript NM_033056.4 (MANE Plus Clinical); coding-DNA position 5839, C replaced by T.
Protein change: p.Gln1947Ter; replaces glutamine 1947 with a stop codon.
Molecular consequence: nonsense. On other transcripts: intron variant (8).
Genome position (GRCh38, 1-based): chr10:53,821,887, G>A on the plus strand (C>T on the coding strand, the complement: PCDH15 is on the minus strand). VCF-style: chr10-53821887-G-A. GRCh37 (hg19) VCF-style: chr10-55581647-G-A.
Other names: c.5839C>T (NM_033056.3); c.5860C>T, p.Gln1954Ter (NM_001142763.2); c.5845C>T, p.Gln1949Ter (NM_001142764.2); c.5632C>T, p.Gln1878Ter (NM_001142765.2); c.5830C>T, p.Gln1944Ter (NM_001142766.2); c.5719C>T, p.Gln1907Ter (NM_001142767.2); c.5779C>T, p.Gln1927Ter (NM_001142768.2); c.5770C>T, p.Gln1924Ter (NM_001142773.2); and 8 more; short protein forms Q1878*, Q1907*, Q1924*, Q1925*, Q1927*, Q1944*, Q1947*, Q1949*.
Identifiers: ClinVar variation 811898 (VCV000811898.18), dbSNP rs1457208099, ClinGen allele CA376524097.

ClinVar aggregate classification (germline): Conflicting classifications of pathogenicity. Review status: criteria provided, conflicting classifications (1 of 4 stars). 5 submissions from 5 submitters: Uncertain significance (3); Likely benign (1). 1 of the submissions does not count toward it. Last evaluated 2025-06-02.

Conditions:
Usher syndrome type 1F (USH1F). Also called: USHER SYNDROME, TYPE IF. Identifiers: Orphanet 231169, Orphanet 886, MedGen C1865885, MONDO:0011186, OMIM 602083.

Allele frequency attached by ClinVar (database versions not stated): gnomAD 0.00001; TOPMed below 0.00001.
gnomAD v4.1: 1 of 1,613,428 alleles (0.000062%); highest among the groups gnomAD compares: African/African-American, 0.0013%; no homozygotes.

Submissions (5):

GeneDx
Classification: Uncertain significance. Last evaluated: 2025-06-02. Review status: criteria provided, single submitter. Criteria: GeneDx Variant Classification Process June 2021. Collection method: clinical testing. Allele origin: germline. Affected: yes.
Comment: Not observed at significant frequency in large population cohorts (gnomAD); Nonsense variant predicted to result in protein truncation as the last 9 amino acids are lost; Has not been previously published as pathogenic or benign to our knowledge

Labcorp Genetics (formerly Invitae), Labcorp
Classification: Likely benign. Last evaluated: 2025-04-21. Review status: criteria provided, single submitter. Criteria: Invitae Variant Classification Sherloc (09022015). Collection method: clinical testing. Allele origin: germline.

ARUP Laboratories, Molecular Genetics and Genomics, ARUP Laboratories
Classification: Uncertain significance. Last evaluated: 2019-02-20. Review status: criteria provided, single submitter. Criteria: ARUP Molecular Germline Variant Investigation Process. Collection method: clinical testing. Allele origin: germline.
Comment: The PCDH15 c.5839C>T; p.Gln1947Ter variant (rs1457208099), to our knowledge, is not reported in the medical literature or gene-specific databases. This variant is also absent from general population databases (Exome Variant Server, Genome Aggregation Database), indicating it is not a common polymorphism. This variant results in a premature termination codon in the last exon of the PCDH15 gene, which may not lead to nonsense-mediated decay. Additionally, this variant is only expected to truncate nine amino acids, leaving the remainder of the protein intact. Due to limited information, the clinical significance of the p.Gln1947Ter variant is uncertain at this time.

Blueprint Genetics
Classification: Uncertain significance. Last evaluated: 2017-09-06. Review status: criteria provided, single submitter. Criteria: ACMG Guidelines, 2015. Collection method: clinical testing. Allele origin: germline.

Natera, Inc.
Classification: Uncertain significance for Usher syndrome type 1F. Last evaluated: 2020-11-19. Review status: no assertion criteria provided. Collection method: clinical testing. Allele origin: germline. Not counted in ClinVar's aggregate classification.